The following is an entry in ClinVar:

NM_006208.3(ENPP1):c.852G>T (p.Met284Ile)

Gene: ENPP1 (ectonucleotide pyrophosphatase/phosphodiesterase 1; plus strand). Cytogenetic location: 6q23.2.
Variant type: single nucleotide variant.
Coding change: c.852G>T on transcript NM_006208.3 (MANE Select); coding-DNA position 852, G replaced by T.
Protein change: p.Met284Ile; replaces methionine 284 with isoleucine.
Molecular consequence: missense variant.
Genome position (GRCh38, 1-based): chr6:131,860,443, G>T. VCF-style: chr6-131860443-G-T. GRCh37 (hg19) VCF-style: chr6-132181583-G-T.
Other names: short protein forms M284I.
Identifiers: ClinVar variation 3617003 (VCV003617003.2).
Genomic context (GRCh38, chr6:131,860,443, plus strand): 5'-TTAGGGATTGTATCCAGAATCTCATGGCATAATCGACAATAAAATGTATGATCCCAAAAT[G>T]AATGCTTCCTTTTCACTTAAAAGTAAAGAGAAATTTAATCCTGAGTGGTACAAAGGAGAA-3'
Protein context (NP_006199.2, residues 274-294): IIDNKMYDPK[Met284Ile]NASFSLKSKE

ClinVar aggregate classification (germline): Uncertain significance (1 of 4 stars; one submission).

Submission:

Labcorp Genetics (formerly Invitae), Labcorp
Classification: Uncertain significance. Last evaluated: 2024-03-07. Review status: criteria provided, single submitter. Criteria: Invitae Variant Classification Sherloc (09022015). Collection method: clinical testing. Allele origin: germline.
Comment: This sequence change replaces methionine, which is neutral and non-polar, with isoleucine, which is neutral and non-polar, at codon 284 of the ENPP1 protein (p.Met284Ile). This variant is not present in population databases (gnomAD no frequency). This variant has not been reported in the literature in individuals affected with ENPP1-related conditions. Advanced modeling of protein sequence and biophysical properties (such as structural, functional, and spatial information, amino acid conservation, physicochemical variation, residue mobility, and thermodynamic stability) performed at Invitae indicates that this missense variant is not expected to disrupt ENPP1 protein function with a negative predictive value of 80%. In summary, the available evidence is currently insufficient to determine the role of this variant in disease. Therefore, it has been classified as a Variant of Uncertain Significance.